The following is an entry in ClinVar:

NM_020937.4(FANCM):c.1271G>A (p.Arg424His)

Gene: FANCM (FA complementation group M; plus strand). Cytogenetic location: 14q21.2.
Variant type: single nucleotide variant.
Coding change: c.1271G>A on transcript NM_020937.4 (MANE Select); coding-DNA position 1271, G replaced by A.
Protein change: p.Arg424His; replaces arginine 424 with histidine.
Molecular consequence: missense variant.
Genome position (GRCh38, 1-based): chr14:45,154,784, G>A. VCF-style: chr14-45154784-G-A. GRCh37 (hg19) VCF-style: chr14-45623987-G-A.
Other names: c.1193G>A, p.Arg398His (NM_001308133.2); c.1271G>A, p.Arg424His (NM_001308134.2); short protein forms R398H, R424H.
Identifiers: ClinVar variation 662103 (VCV000662103.16), dbSNP rs139726733, ClinGen allele CA7168982.

ClinVar aggregate classification (germline): Uncertain significance. Review status: criteria provided, multiple submitters, no conflicts (2 of 4 stars). 5 submissions from 5 submitters: Uncertain significance (5). Last evaluated 2025-11-25.

Conditions:
Spermatogenic failure 28. Identifiers: MedGen C4748117, MONDO:0054732, OMIM 618086.
Premature ovarian failure 15. Identifiers: MedGen C4748170, MONDO:0054862, OMIM 618096.
Fanconi anemia (FA). Also called: Fanconi's anemia. Identifiers: Orphanet 84, MedGen C0015625, MeSH D005199, MONDO:0019391.
FANCM-related disorder. Also called: FANCM-related condition.

Allele frequency attached by ClinVar (database versions not stated): ExAC 0.00001; gnomAD 0.00001 and 0.00002; gnomAD exomes 0.00001; TOPMed 0.00003; ESP Exome Variant Server 0.00008.
gnomAD v4.1: 19 of 1,606,398 alleles (0.0012%); highest among the groups gnomAD compares: Admixed American, 0.012%; no homozygotes.

Submissions (5):

Labcorp Genetics (formerly Invitae), Labcorp
Classification: Uncertain significance for Fanconi anemia. Last evaluated: 2025-11-25. Review status: criteria provided, single submitter. Criteria: Invitae Variant Classification Sherloc (09022015). Collection method: clinical testing. Allele origin: germline.
Comment: This sequence change replaces arginine, which is basic and polar, with histidine, which is basic and polar, at codon 424 of the FANCM protein (p.Arg424His). This variant is present in population databases (rs139726733, gnomAD 0.002%). This variant has not been reported in the literature in individuals affected with FANCM-related conditions. ClinVar contains an entry for this variant (Variation ID: 662103). An algorithm developed to predict the effect of missense changes on protein structure and function outputs the following: PolyPhen-2: "Benign". The histidine amino acid residue is found in multiple mammalian species, which suggests that this missense change does not adversely affect protein function. In summary, the available evidence is currently insufficient to determine the role of this variant in disease. Therefore, it has been classified as a Variant of Uncertain Significance.

GeneDx
Classification: Uncertain significance. Last evaluated: 2024-09-11. Review status: criteria provided, single submitter. Criteria: GeneDx Variant Classification Process June 2021. Collection method: clinical testing. Allele origin: germline. Affected: yes.
Comment: Not observed at significant frequency in large population cohorts (gnomAD); In silico analysis indicates that this missense variant does not alter protein structure/function; Has not been previously published as pathogenic or benign to our knowledge; This variant is associated with the following publications: (PMID: 37673932)

Daryl Scott Lab, Baylor College of Medicine
Classification: Uncertain significance for FANCM-related disorder. Last evaluated: 2023-04-11. Review status: criteria provided, single submitter. Criteria: ACMG Guidelines, 2015. Collection method: clinical testing. Allele origin: biparental. Inheritance: Autosomal recessive inheritance. Affected: yes. Observed: 1 homozygote.

Fulgent Genetics
Classification: Uncertain significance for Spermatogenic failure 28; Premature ovarian failure 15. Last evaluated: 2021-12-29. Review status: criteria provided, single submitter. Criteria: ACMG Guidelines, 2015. Collection method: clinical testing. Allele origin: unknown.

Breakthrough Genomics
Classification: Uncertain significance. Review status: criteria provided, single submitter. Criteria: ACMG Guidelines, 2015. Collection method: not provided. Allele origin: germline. Inheritance: Autosomal recessive inheritance. Affected: yes.

Literature cited by the submitters: PubMed 37673932 (cited by Daryl Scott Lab, Baylor College of Medicine).